The following is an entry in ClinVar:

NM_001354604.2(MITF):c.1511C>G (p.Ser504Cys)

Gene: MITF (melanocyte inducing transcription factor; plus strand). Cytogenetic location: 3p13.
Variant type: single nucleotide variant.
Coding change: c.1511C>G on transcript NM_001354604.2 (MANE Select); coding-DNA position 1511, C replaced by G.
Protein change: p.Ser504Cys; replaces serine 504 with cysteine.
Molecular consequence: missense variant.
Genome position (GRCh38, 1-based): chr3:69,965,178, C>G. VCF-style: chr3-69965178-C-G. GRCh37 (hg19) VCF-style: chr3-70014329-C-G.
Other names: c.1190C>G, p.Ser397Cys (NM_000248.4); c.1337C>G, p.Ser446Cys (NM_001184967.2, NM_001354608.2); c.1508C>G, p.Ser503Cys (NM_001354605.2); c.1490C>G, p.Ser497Cys (NM_001354606.2, NM_006722.3); c.1442C>G, p.Ser481Cys (NM_001354607.2); c.1172C>G, p.Ser391Cys (NM_198158.3); c.1493C>G, p.Ser498Cys (NM_198159.3); c.1445C>G, p.Ser482Cys (NM_198177.3); and 1 more; short protein forms S335C, S397C, S497C, S391C, S446C, S482C, S503C, S504C.
Identifiers: ClinVar variation 2941566 (VCV002941566.3), dbSNP rs2107553467, ClinGen allele CA353559992.

ClinVar aggregate classification (germline): Uncertain significance (1 of 4 stars; one submission).

Conditions:
Tietz syndrome (TADS). Also called: ALBINISM-DEAFNESS OF TIETZ; HYPOPIGMENTATION/DEAFNESS OF TIETZ; TIETZ ALBINISM-DEAFNESS SYNDROME. Identifiers: Orphanet 42665, MedGen C0391816, MONDO:0007077, OMIM 103500.
Waardenburg syndrome type 2A (WS2A). Also called: WAARDENBURG SYNDROME WITHOUT DYSTOPIA CANTHORUM. Identifiers: Orphanet 3440, MedGen C1860339, MONDO:0008671, OMIM 193510.
Melanoma, cutaneous malignant, susceptibility to, 8. Also called: MELANOMA AND RENAL CELL CARCINOMA, SUSCEPTIBILITY TO; Cutaneous malignant melanoma 8. Identifiers: Orphanet 293822, MedGen C3152204, MONDO:0013759, OMIM 614456.

Allele frequency attached by ClinVar (database versions not stated): gnomAD exomes below 0.00001.
gnomAD v4.1: 1 of 1,613,686 alleles (0.000062%); highest among the groups gnomAD compares: Non-Finnish European, 0.000085%; no homozygotes.

Submission:

Labcorp Genetics (formerly Invitae), Labcorp
Classification: Uncertain significance for Melanoma, cutaneous malignant, susceptibility to, 8; Waardenburg syndrome type 2A; Tietz syndrome. Last evaluated: 2022-11-14. Review status: criteria provided, single submitter. Criteria: Invitae Variant Classification Sherloc (09022015). Collection method: clinical testing. Allele origin: germline.
Comment: This variant is not present in population databases (gnomAD no frequency). In summary, the available evidence is currently insufficient to determine the role of this variant in disease. Therefore, it has been classified as a Variant of Uncertain Significance. Advanced modeling of protein sequence and biophysical properties (such as structural, functional, and spatial information, amino acid conservation, physicochemical variation, residue mobility, and thermodynamic stability) performed at Invitae indicates that this missense variant is expected to disrupt MITF protein function. This variant has not been reported in the literature in individuals affected with MITF-related conditions. This sequence change replaces serine, which is neutral and polar, with cysteine, which is neutral and slightly polar, at codon 397 of the MITF protein (p.Ser397Cys).